The following is an entry in ClinVar:

NM_000540.3(RYR1):c.1672+5G>A

Gene: RYR1 (ryanodine receptor 1; plus strand). Cytogenetic location: 19q13.2.
Variant type: single nucleotide variant.
Coding change: c.1672+5G>A on transcript NM_000540.3 (MANE Select); 5 bases into the intron after coding-DNA position 1672, G replaced by A.
Molecular consequence: intron variant.
Genome position (GRCh38, 1-based): chr19:38,455,551, G>A. VCF-style: chr19-38455551-G-A. GRCh37 (hg19) VCF-style: chr19-38946191-G-A.
Other names: c.1672+5G>A (NM_001042723.2).
Identifiers: ClinVar variation 2110944 (VCV002110944.4), dbSNP rs2514027324, ClinGen allele CA2580096940.

ClinVar aggregate classification (germline): Uncertain significance (1 of 4 stars; one submission).

Conditions:
RYR1-related disorder. Also called: RYR1-related condition; RYR1-related disorders. Identifiers: MedGen CN239331.

Allele frequency attached by ClinVar (database versions not stated): gnomAD exomes below 0.00001.
gnomAD v4.1: 2 of 1,614,020 alleles (0.00012%); highest among the groups gnomAD compares: Non-Finnish European, 0.00017%; no homozygotes.

Submission:

Labcorp Genetics (formerly Invitae), Labcorp
Classification: Uncertain significance for RYR1-related disorder. Last evaluated: 2022-09-26. Review status: criteria provided, single submitter. Criteria: Invitae Variant Classification Sherloc (09022015). Collection method: clinical testing. Allele origin: germline.
Comment: This sequence change falls in intron 15 of the RYR1 gene. It does not directly change the encoded amino acid sequence of the RYR1 protein. It affects a nucleotide within the consensus splice site. This variant is not present in population databases (gnomAD no frequency). This variant has not been reported in the literature in individuals affected with RYR1-related conditions. Variants that disrupt the consensus splice site are a relatively common cause of aberrant splicing (PMID: 17576681, 9536098). Algorithms developed to predict the effect of sequence changes on RNA splicing suggest that this variant is not likely to affect RNA splicing. In summary, the available evidence is currently insufficient to determine the role of this variant in disease. Therefore, it has been classified as a Variant of Uncertain Significance.

Literature cited by the submitters: PubMed 17576681; PubMed 9536098.